The following is an entry in ClinVar:

NM_021224.6(ZNF462):c.3567G>T (p.Glu1189Asp)

Gene: ZNF462 (zinc finger protein 462; plus strand). Cytogenetic location: 9q31.2.
Variant type: single nucleotide variant.
Coding change: c.3567G>T on transcript NM_021224.6 (MANE Select); coding-DNA position 3567, G replaced by T.
Protein change: p.Glu1189Asp; replaces glutamic acid 1189 with aspartic acid.
Molecular consequence: missense variant. On other transcripts: intron variant (1).
Genome position (GRCh38, 1-based): chr9:106,927,479, G>T. VCF-style: chr9-106927479-G-T. GRCh37 (hg19) VCF-style: chr9-109689760-G-T.
Other names: c.3252+315G>T (NM_001347997.2); short protein forms E1189D.
Identifiers: ClinVar variation 4888090 (VCV004888090.1).

ClinVar aggregate classification (germline): Uncertain significance (1 of 4 stars; one submission).

gnomAD v4.1: 2 of 1,613,870 alleles (0.00012%); highest among the groups gnomAD compares: Non-Finnish European, 0.00017%; no homozygotes.

Submission:

GeneDx
Classification: Uncertain significance. Last evaluated: 2026-02-14. Review status: criteria provided, single submitter. Criteria: GeneDx Variant Classification Process June 2021. Collection method: clinical testing. Allele origin: germline.
Comment: Not observed at significant frequency in large population cohorts (gnomAD); In silico analysis suggests that this missense variant does not alter protein structure/function; Has not been previously published as pathogenic or benign to our knowledge